The following is an entry in ClinVar:

NM_018723.4(RBFOX1):c.175C>T (p.Pro59Ser)

Gene: RBFOX1 (RNA binding fox-1 homolog 1; plus strand). Cytogenetic location: 16p13.3.
Variant type: single nucleotide variant.
Coding change: c.175C>T on transcript NM_018723.4 (MANE Select); coding-DNA position 175, C replaced by T.
Protein change: p.Pro59Ser; replaces proline 59 with serine.
Molecular consequence: missense variant.
Genome position (GRCh38, 1-based): chr16:7,518,294, C>T. VCF-style: chr16-7518294-C-T. GRCh37 (hg19) VCF-style: chr16-7568296-C-T.
Other names: c.175C>T, p.Pro59Ser (NM_001142333.2, NM_001142334.2, NM_001364800.2); c.304C>T, p.Pro102Ser (NM_001308117.1); c.235C>T, p.Pro79Ser (NM_145891.3, NM_145892.3, NM_145893.3); short protein forms P59S, P79S, P102S.
Identifiers: ClinVar variation 460030 (VCV000460030.22), dbSNP rs137880529, ClinGen allele CA7891348.

ClinVar aggregate classification (germline): Likely benign. Review status: criteria provided, multiple submitters, no conflicts (2 of 4 stars). 4 submissions from 4 submitters: Likely benign (3). 1 of the submissions does not count toward it. Last evaluated 2026-01-28.

Conditions:
RBFOX1-related disorder. Also called: RBFOX1-related condition.
Idiopathic generalized epilepsy. Also called: EIG; Generalised epilepsy. Identifiers: MedGen C0270850, MONDO:0005579, OMIM 600669.

Allele frequency attached by ClinVar (database versions not stated): gnomAD exomes 0.00027; ExAC 0.00031; 1000 Genomes Project 30x 0.00078; 1000 Genomes Project 0.00080; ESP Exome Variant Server 0.00115; gnomAD 0.00137; TOPMed 0.00174.
gnomAD v4.1: 395 of 1,614,158 alleles (0.024%); highest among the groups gnomAD compares: African/African-American, 0.44%; 1 homozygote.

Submissions (4):

Labcorp Genetics (formerly Invitae), Labcorp
Classification: Likely benign for Idiopathic generalized epilepsy. Last evaluated: 2026-01-28. Review status: criteria provided, single submitter. Criteria: Invitae Variant Classification Sherloc (09022015). Collection method: clinical testing. Allele origin: germline.

CeGaT Center for Human Genetics Tuebingen
Classification: Likely benign. Last evaluated: 2025-09-01. Review status: criteria provided, single submitter. Criteria: CeGaT Center For Human Genetics Tuebingen Variant Classification Criteria Version 2. Collection method: clinical testing. Allele origin: germline. Affected: yes. Observed: 1 variant allele.
Comment: RBFOX1: BS1

Breakthrough Genomics
Classification: Likely benign. Review status: criteria provided, single submitter. Criteria: ACMG Guidelines, 2015. Collection method: not provided. Allele origin: germline. Inheritance: Unknown mechanism. Affected: yes.

PreventionGenetics, part of Exact Sciences
Classification: Likely benign for RBFOX1-related condition. Last evaluated: 2022-10-13. Review status: no assertion criteria provided. Collection method: clinical testing. Allele origin: germline. Not counted in ClinVar's aggregate classification.
Comment: This variant is classified as likely benign based on ACMG/AMP sequence variant interpretation guidelines (Richards et al. 2015 PMID: 25741868, with internal and published modifications).